The following is an entry in ClinVar:

ClinVar aggregate classification (germline): Uncertain significance (1 of 4 stars; one submission).

Conditions:
Inborn genetic diseases. Identifiers: MedGen C0950123, MeSH D030342.

gnomAD v4.1: 1 of 1,612,814 alleles (0.000062%); highest among the groups gnomAD compares: East Asian, 0.0022%; no homozygotes.

Submission:

Ambry Genetics
Classification: Uncertain significance for Inborn genetic diseases. Last evaluated: 2024-08-08. Review status: criteria provided, single submitter. Criteria: Ambry Variant Classification Scheme 2023. Collection method: clinical testing. Allele origin: germline.
Comment: The c.10402+5G>A intronic alteration consists of a G to A substitution nucleotides after coding exon 33 in the PKD1 gene. Based on insufficient or conflicting evidence, the clinical significance of this alteration remains unclear.

NM_001009944.3(PKD1):c.10405+5G>A

Gene: PKD1 (polycystin 1, transient receptor potential channel interacting; minus strand). Cytogenetic location: 16p13.3.
Variant type: single nucleotide variant.
Coding change: c.10405+5G>A on transcript NM_001009944.3 (MANE Select); 5 bases into the intron after coding-DNA position 10405, G replaced by A.
Molecular consequence: intron variant.
Genome position (GRCh38, 1-based): chr16:2,097,314, C>T on the plus strand (G>A on the coding strand, the complement: PKD1 is on the minus strand). VCF-style: chr16-2097314-C-T. GRCh37 (hg19) VCF-style: chr16-2147315-C-T.
Other names: c.10402+5G>A (NM_000296.4).
Identifiers: ClinVar variation 3419018 (VCV003419018.1).